The following is an entry in ClinVar:

NM_002474.3(MYH11):c.1065G>C (p.Gln355His)

Gene: MYH11 (myosin heavy chain 11; minus strand). Cytogenetic location: 16p13.11.
Variant type: single nucleotide variant.
Coding change: c.1065G>C on transcript NM_002474.3 (MANE Select); coding-DNA position 1065, G replaced by C.
Protein change: p.Gln355His; replaces glutamine 355 with histidine.
Molecular consequence: missense variant.
Genome position (GRCh38, 1-based): chr16:15,763,860, C>G on the plus strand (G>C on the coding strand, the complement: MYH11 is on the minus strand). VCF-style: chr16-15763860-C-G. GRCh37 (hg19) VCF-style: chr16-15857717-C-G.
Other names: c.1086G>C, p.Gln362His (NM_001040113.2, NM_001040114.2); c.1065G>C, p.Gln355His (NM_022844.3); short protein forms Q355H, Q362H.
Identifiers: ClinVar variation 886155 (VCV000886155.12), dbSNP rs2041923210, ClinGen allele CA394865728.
Genomic context (GRCh38, chr16:15,763,860, plus strand): 5'-GTTATCTGGCATGGACGCCTGGTCTGTGTTTCTTTCCTTCTTGAAGACGATATTTCCAAG[C>G]TGCAGGACCGATGATACCACCTTCAATATGGCTGAGGTGGGGAGAGAAGGGCAGAGCAGA-3'
Protein context (NP_002465.1, residues 345-365): SILKVVSSVL[Gln355His]LGNIVFKKER

ClinVar aggregate classification (germline): Uncertain significance. Review status: criteria provided, multiple submitters, no conflicts (2 of 4 stars). 5 submissions from 5 submitters: Uncertain significance (5). Last evaluated 2025-04-08.

Conditions:
Aortic aneurysm, familial thoracic 4 (AAT4). Also called: AORTIC ANEURYSM/AORTIC DISSECTION AND PATENT DUCTUS ARTERIOSUS. Identifiers: MedGen C1851504, MONDO:0007568, OMIM 132900.
Familial thoracic aortic aneurysm and aortic dissection (TAAD). Also called: Thoracic aortic aneurysms and dissections. Identifiers: Orphanet 91387, MedGen C4707243, MONDO:0019625.

Allele frequency attached by ClinVar (database versions not stated): gnomAD 0.00001; gnomAD exomes 0.00003.
gnomAD v4.1: 41 of 1,596,386 alleles (0.0026%); highest among the groups gnomAD compares: Non-Finnish European, 0.0034%; no homozygotes.

Submissions (5):

Color Diagnostics, LLC DBA Color Health
Classification: Uncertain significance for Familial thoracic aortic aneurysm and aortic dissection. Last evaluated: 2025-04-08. Review status: criteria provided, single submitter. Criteria: ACMG Guidelines, 2015. Collection method: clinical testing. Allele origin: germline.
Comment: This missense variant replaces glutamine with histidine at codon 362 of the MYH11 protein. Computational prediction suggests that this variant may not impact protein structure and function. To our knowledge, functional studies have not been reported for this variant. This variant has not been reported in individuals affected with MYH11-related disorders in the literature. This variant has not been identified in the general population by the Genome Aggregation Database (gnomAD). The available evidence is insufficient to determine the role of this variant in disease conclusively. Therefore, this variant is classified as a Variant of Uncertain Significance.

Ambry Genetics
Classification: Uncertain significance for Familial thoracic aortic aneurysm and aortic dissection. Last evaluated: 2024-10-01. Review status: criteria provided, single submitter. Criteria: Ambry Variant Classification Scheme 2023. Collection method: clinical testing. Allele origin: germline.

All of Us Research Program, National Institutes of Health
Classification: Uncertain significance for Familial thoracic aortic aneurysm and aortic dissection. Last evaluated: 2024-08-06. Review status: criteria provided, single submitter. Criteria: ACMG Guidelines, 2015. Collection method: clinical testing. Allele origin: germline. Inheritance: Autosomal dominant inheritance. Observed: 1 variant allele, 1 heterozygote.
Comment: This missense variant replaces glutamine with histidine at codon 362 of the MYH11 protein. Computational prediction suggests that this variant may not impact protein structure and function (internally defined REVEL score threshold <= 0.5, PMID: 27666373). Splice site prediction tools suggest that this variant may not impact RNA splicing. To our knowledge, functional studies have not been reported for this variant. This variant has not been reported in individuals affected with cardiovascular disorders in the literature. This variant has not been identified in the general population by the Genome Aggregation Database (gnomAD). The available evidence is insufficient to determine the role of this variant in disease conclusively. Therefore, this variant is classified as a Variant of Uncertain Significance.

This study involves interpretation of variants in research participants for the purpose of population health screening. Participant phenotype was not available at the time of variant classification. Additional details can be found in publication PMID: 35346344, PMCID: PMC8962531

Labcorp Genetics (formerly Invitae), Labcorp
Classification: Uncertain significance for Aortic aneurysm, familial thoracic 4. Last evaluated: 2024-07-30. Review status: criteria provided, single submitter. Criteria: Invitae Variant Classification Sherloc (09022015). Collection method: clinical testing. Allele origin: germline.
Comment: This sequence change replaces glutamine, which is neutral and polar, with histidine, which is basic and polar, at codon 362 of the MYH11 protein (p.Gln362His). This variant is not present in population databases (gnomAD no frequency). This variant has not been reported in the literature in individuals affected with MYH11-related conditions. ClinVar contains an entry for this variant (Variation ID: 886155). Advanced modeling of protein sequence and biophysical properties (such as structural, functional, and spatial information, amino acid conservation, physicochemical variation, residue mobility, and thermodynamic stability) performed at Invitae indicates that this missense variant is not expected to disrupt MYH11 protein function with a negative predictive value of 95%. In summary, the available evidence is currently insufficient to determine the role of this variant in disease. Therefore, it has been classified as a Variant of Uncertain Significance.

Illumina Laboratory Services, Illumina
Classification: Uncertain significance for Aortic aneurysm, familial thoracic 4. Last evaluated: 2018-01-12. Review status: criteria provided, single submitter. Criteria: ICSL Variant Classification Criteria 13 December 2019. Collection method: clinical testing. Allele origin: germline.